The following is an entry in ClinVar:

NM_201384.3(PLEC):c.12382C>T (p.Arg4128Trp)

Gene: PLEC (plectin; minus strand). Cytogenetic location: 8q24.3.
Variant type: single nucleotide variant.
Coding change: c.12382C>T on transcript NM_201384.3 (MANE Select); coding-DNA position 12382, C replaced by T.
Protein change: p.Arg4128Trp; replaces arginine 4128 with tryptophan.
Molecular consequence: missense variant.
Genome position (GRCh38, 1-based): chr8:143,917,439, G>A on the plus strand (C>T on the coding strand, the complement: PLEC is on the minus strand). VCF-style: chr8-143917439-G-A. GRCh37 (hg19) VCF-style: chr8-144991607-G-A.
Other names: c.12463C>T, p.Arg4155Trp (NM_000445.5); c.12340C>T, p.Arg4114Trp (NM_201378.4); c.12316C>T, p.Arg4106Trp (NM_201379.3); c.12793C>T, p.Arg4265Trp (NM_201380.4); c.12286C>T, p.Arg4096Trp (NM_201381.3); c.12382C>T, p.Arg4128Trp (NM_201382.4); c.12394C>T, p.Arg4132Trp (NM_201383.3); short protein forms R4096W, R4106W, R4114W, R4128W, R4132W, R4155W, R4265W.
Identifiers: ClinVar variation 430431 (VCV000430431.8), dbSNP rs375335998, ClinGen allele CA4924100.

ClinVar aggregate classification (germline): Uncertain significance. Review status: criteria provided, multiple submitters, no conflicts (2 of 4 stars). 3 submissions from 3 submitters: Uncertain significance (3). Last evaluated 2024-05-01.

Conditions:
Inborn genetic diseases. Identifiers: MedGen C0950123, MeSH D030342.
Epidermolysis bullosa simplex with nail dystrophy (EBS5D). Identifiers: MedGen C4225309, MONDO:0014661, OMIM 616487.
Autosomal recessive limb-girdle muscular dystrophy type 2Q (LGMDR17). Also called: MUSCULAR DYSTROPHY, LIMB-GIRDLE, AUTOSOMAL RECESSIVE 17. Identifiers: Orphanet 254361, MedGen C3150989, MONDO:0013390, OMIM 613723.
Epidermolysis bullosa simplex 5B, with muscular dystrophy (EBS5B). Also called: EPIDERMOLYSIS BULLOSA SIMPLEX AND LIMB-GIRDLE MUSCULAR DYSTROPHY; Epidermolysis bullosa simplex with muscular dystrophy. Identifiers: Orphanet 257, MedGen C2931072, MONDO:0009181, OMIM 226670.
Epidermolysis bullosa simplex, Ogna type (EBS5A). Also called: Pidermolysis bullosa simplex 5A, Ogna type; EPIDERMOLYSIS BULLOSA SIMPLEX 5A, OGNA TYPE. Identifiers: Orphanet 79401, MedGen C0432317, MONDO:0007555, OMIM 131950.
Epidermolysis bullosa simplex 5C, with pyloric atresia (EBS5C). Also called: PLEC-Related Epidermolysis Bullosa with Pyloric Atresia; PLEC1-Related Epidermolysis Bullosa with Pyloric Atresia; Epidermolysis bullosa simplex with pyloric atresia. Identifiers: Orphanet 158684, MedGen C2677349, MONDO:0012807, OMIM 612138.

Allele frequency attached by ClinVar (database versions not stated): ExAC 0.00002; gnomAD exomes 0.00002; gnomAD 0.00005 and 0.00006; TOPMed 0.00005; ESP Exome Variant Server 0.00016.
gnomAD v4.1: 42 of 1,613,230 alleles (0.0026%); highest among the groups gnomAD compares: African/African-American, 0.004%; no homozygotes.

Submissions (3):

Ambry Genetics
Classification: Uncertain significance for Inborn genetic diseases. Last evaluated: 2024-05-01. Review status: criteria provided, single submitter. Criteria: Ambry Variant Classification Scheme 2023. Collection method: clinical testing. Allele origin: germline.

Labcorp Genetics (formerly Invitae), Labcorp
Classification: Uncertain significance for Autosomal recessive limb-girdle muscular dystrophy type 2Q; Epidermolysis bullosa simplex, Ogna type; Epidermolysis bullosa simplex with nail dystrophy; Epidermolysis bullosa simplex 5C, with pyloric atresia; Epidermolysis bullosa simplex 5B, with muscular dystrophy. Last evaluated: 2023-12-09. Review status: criteria provided, single submitter. Criteria: Invitae Variant Classification Sherloc (09022015). Collection method: clinical testing. Allele origin: germline.
Comment: This sequence change replaces arginine, which is basic and polar, with tryptophan, which is neutral and slightly polar, at codon 4155 of the PLEC protein (p.Arg4155Trp). This variant is present in population databases (rs375335998, gnomAD 0.01%). This variant has not been reported in the literature in individuals affected with PLEC-related conditions. ClinVar contains an entry for this variant (Variation ID: 430431). Advanced modeling of protein sequence and biophysical properties (such as structural, functional, and spatial information, amino acid conservation, physicochemical variation, residue mobility, and thermodynamic stability) has been performed at Invitae for this missense variant, however the output from this modeling did not meet the statistical confidence thresholds required to predict the impact of this variant on PLEC protein function. In summary, the available evidence is currently insufficient to determine the role of this variant in disease. Therefore, it has been classified as a Variant of Uncertain Significance.

GeneDx
Classification: Uncertain significance. Last evaluated: 2017-05-26. Review status: criteria provided, single submitter. Criteria: GeneDx Variant Classification (06012015). Collection method: clinical testing. Allele origin: germline. Affected: yes.
Comment: A variant of uncertain significance has been identified in the PLEC gene. The R4155W variant has not been published as a pathogenic variant, nor has it been reported as a benign variant to our knowledge. The R4155W variant is not observed at a significant frequency in large population cohorts (Lek et al., 2016; 1000 Genomes Consortium et al., 2015; Exome Variant Server). This substitution occurs at a position where amino acids with similar properties to Arginine are tolerated across species. However, the R4155W variant is a non-conservative amino acid substitution, which is likely to impact secondary protein structure as these residues differ in polarity, charge, size and/or other properties. In silico analysis is inconsistent in its predictions as to whether or not the variant is damaging to the protein structure/function. Therefore, based on the currently available information, it is unclear whether this variant is a pathogenic variant or a rare benign variant.